The following is an entry in ClinVar:

ClinVar aggregate classification (germline): Uncertain significance (1 of 4 stars; one submission).

Conditions:
Fibrous dysplasia of jaw (CRBM). Also called: Cherubism. Identifiers: Orphanet 184, MedGen C0008029, MONDO:0007315, OMIM 118400.

Allele frequency attached by ClinVar (database versions not stated): ExAC 0.00001; gnomAD 0.00001; gnomAD exomes 0.00001.
gnomAD v4.1: 9 of 1,612,918 alleles (0.00056%); highest among the groups gnomAD compares: Admixed American, 0.0017%; no homozygotes.

Submission:

Labcorp Genetics (formerly Invitae), Labcorp
Classification: Uncertain significance for Fibrous dysplasia of jaw. Last evaluated: 2020-01-28. Review status: criteria provided, single submitter. Criteria: Invitae Variant Classification Sherloc (09022015). Collection method: clinical testing. Allele origin: germline.
Comment: This sequence change replaces aspartic acid with glutamic acid at codon 257 of the SH3BP2 protein (p.Asp257Glu). The aspartic acid residue is moderately conserved and there is a small physicochemical difference between aspartic acid and glutamic acid. This variant is present in population databases (rs753445987, ExAC 0.002%). This variant has not been reported in the literature in individuals with SH3BP2-related disease. Algorithms developed to predict the effect of missense changes on protein structure and function output the following: SIFT: "Tolerated"; PolyPhen-2: "Benign"; Align-GVGD: "Class C0". The glutamic acid amino acid residue is found in multiple mammalian species, suggesting that this missense change does not adversely affect protein function. These predictions have not been confirmed by published functional studies and their clinical significance is uncertain. In summary, the available evidence is currently insufficient to determine the role of this variant in disease. Therefore, it has been classified as a Variant of Uncertain Significance.

NM_001122681.2(SH3BP2):c.771C>G (p.Asp257Glu)

Gene: SH3BP2 (SH3 domain binding protein 2; plus strand). Cytogenetic location: 4p16.3.
Variant type: single nucleotide variant.
Coding change: c.771C>G on transcript NM_001122681.2 (MANE Select); coding-DNA position 771, C replaced by G.
Protein change: p.Asp257Glu; replaces aspartic acid 257 with glutamic acid.
Molecular consequence: missense variant.
Genome position (GRCh38, 1-based): chr4:2,829,677, C>G. VCF-style: chr4-2829677-C-G. GRCh37 (hg19) VCF-style: chr4-2831404-C-G.
Other names: c.855C>G, p.Asp285Glu (LRG_1334t2, NM_001145855.2); c.771C>G, p.Asp257Glu (LRG_1334t1, NM_003023.4); c.942C>G, p.Asp314Glu (NM_001145856.2); short protein forms D257E, D314E, D285E.
Identifiers: ClinVar variation 643282 (VCV000643282.8), dbSNP rs753445987, ClinGen allele CA2819312.